The following is an entry in ClinVar:

ClinVar aggregate classification (germline): Benign. Review status: criteria provided, multiple submitters, no conflicts (2 of 4 stars). 3 submissions from 3 submitters: Benign (2). 1 of the submissions does not count toward it. Last evaluated 2026-02-02.

Conditions:
MSN-related disorder. Also called: MSN-related condition.

Allele frequency attached by ClinVar (database versions not stated): 1000 Genomes Project 30x 0.00395; 1000 Genomes Project 0.00424; TOPMed 0.00861; ESP Exome Variant Server 0.00975; gnomAD 0.01095 and 0.01118; gnomAD exomes 0.01126 and 0.01433; ExAC 0.01563.
gnomAD v4.1: 16,677 of 1,204,939 alleles (1.4%); highest among the groups gnomAD compares: Non-Finnish European, 1.6%; 121 homozygotes.

Submissions (3):

Labcorp Genetics (formerly Invitae), Labcorp
Classification: Benign. Last evaluated: 2026-02-02. Review status: criteria provided, single submitter. Criteria: Invitae Variant Classification Sherloc (09022015). Collection method: clinical testing. Allele origin: germline.

Women's Health and Genetics/Laboratory Corporation of America, LabCorp
Classification: Benign. Last evaluated: 2026-01-23. Review status: criteria provided, single submitter. Criteria: LabCorp Variant Classification Summary - May 2015. Collection method: clinical testing. Allele origin: germline.

PreventionGenetics, part of Exact Sciences
Classification: Benign for MSN-related condition. Last evaluated: 2019-08-05. Review status: no assertion criteria provided. Collection method: clinical testing. Allele origin: germline. Not counted in ClinVar's aggregate classification.
Comment: This variant is classified as benign based on ACMG/AMP sequence variant interpretation guidelines (Richards et al. 2015 PMID: 25741868, with internal and published modifications).

NM_002444.3(MSN):c.528T>C (p.His176=)

Gene: MSN (moesin; plus strand). Cytogenetic location: Xq12.
Variant type: single nucleotide variant.
Coding change: c.528T>C on transcript NM_002444.3 (MANE Select); coding-DNA position 528, T replaced by C.
Protein change: p.His176=; no amino-acid change (histidine 176 retained).
Molecular consequence: synonymous variant.
Genome position (GRCh38, 1-based): chrX:65,731,167, T>C. VCF-style: chrX-65731167-T-C. GRCh37 (hg19) VCF-style: chrX-64951029-T-C.
Other names: c.528T>C (NM_002444.2).
Identifiers: ClinVar variation 1169891 (VCV001169891.12), dbSNP rs45457796, ClinGen allele CA10434515.